The following is an entry in ClinVar:

ClinVar aggregate classification (germline): Uncertain significance. Review status: criteria provided, multiple submitters, no conflicts (2 of 4 stars). 2 submissions from 2 submitters: Uncertain significance (2). Last evaluated 2023-10-17.

Conditions:
Hereditary cancer-predisposing syndrome. Also called: Hereditary Cancer Syndrome; Neoplastic Syndromes, Hereditary; Hereditary neoplastic syndrome; Tumor predisposition. Identifiers: Orphanet 140162, MedGen C0027672, MeSH D009386, MONDO:0015356.
Cardiovascular phenotype. Identifiers: MedGen CN230736.
Neurofibromatosis, type 1 (NF1). Also called: Peripheral type neurofibromatosis; Neurofibromatosis, type I; NEUROFIBROMATOSIS, TYPE I, SOMATIC; VON RECKLINGHAUSEN DISEASE. Identifiers: Orphanet 636, MedGen C0027831, MONDO:0018975, OMIM 162200. Disease mechanism: loss of function.

Submissions (2):

Ambry Genetics
Classification: Uncertain significance for Cardiovascular phenotype; Hereditary cancer-predisposing syndrome. Last evaluated: 2023-10-17. Review status: criteria provided, single submitter. Criteria: Ambry Variant Classification Scheme 2023. Collection method: clinical testing. Allele origin: germline.
Comment: The p.M817T variant (also known as c.2450T>C), located in coding exon 21 of the NF1 gene, results from a T to C substitution at nucleotide position 2450. The methionine at codon 817 is replaced by threonine, an amino acid with similar properties. This amino acid position is highly conserved in available vertebrate species. In addition, the in silico prediction for this alteration is inconclusive. Since supporting evidence is limited at this time, the clinical significance of this alteration remains unclear.

Labcorp Genetics (formerly Invitae), Labcorp
Classification: Uncertain significance for Neurofibromatosis, type 1. Last evaluated: 2023-07-08. Review status: criteria provided, single submitter. Criteria: Invitae Variant Classification Sherloc (09022015). Collection method: clinical testing. Allele origin: germline.
Comment: This variant has not been reported in the literature in individuals affected with NF1-related conditions. In summary, the available evidence is currently insufficient to determine the role of this variant in disease. Therefore, it has been classified as a Variant of Uncertain Significance. Advanced modeling of protein sequence and biophysical properties (such as structural, functional, and spatial information, amino acid conservation, physicochemical variation, residue mobility, and thermodynamic stability) performed at Invitae indicates that this missense variant is not expected to disrupt NF1 protein function. ClinVar contains an entry for this variant (Variation ID: 821299). This variant is not present in population databases (gnomAD no frequency). This sequence change replaces methionine, which is neutral and non-polar, with threonine, which is neutral and polar, at codon 817 of the NF1 protein (p.Met817Thr).

NM_001042492.3(NF1):c.2450T>C (p.Met817Thr)

Gene: NF1 (neurofibromin 1; plus strand). Cytogenetic location: 17q11.2.
Variant type: single nucleotide variant.
Coding change: c.2450T>C on transcript NM_001042492.3 (MANE Select); coding-DNA position 2450, T replaced by C.
Protein change: p.Met817Thr; replaces methionine 817 with threonine.
Molecular consequence: missense variant.
Genome position (GRCh38, 1-based): chr17:31,229,065, T>C. VCF-style: chr17-31229065-T-C. GRCh37 (hg19) VCF-style: chr17-29556083-T-C.
Other names: c.2450T>C, p.Met817Thr (NM_000267.4); short protein forms M817T.
Identifiers: ClinVar variation 821299 (VCV000821299.9), dbSNP rs1597715147, ClinGen allele CA398983922.